The following is an entry in ClinVar:

NM_032043.3(BRIP1):c.1195G>T (p.Glu399Ter)

Gene: BRIP1 (BRCA1 interacting DNA helicase 1; minus strand). Cytogenetic location: 17q23.2.
Variant type: single nucleotide variant.
Coding change: c.1195G>T on transcript NM_032043.3 (MANE Select); coding-DNA position 1195, G replaced by T.
Protein change: p.Glu399Ter; replaces glutamic acid 399 with a stop codon.
Molecular consequence: nonsense.
Genome position (GRCh38, 1-based): chr17:61,799,245, C>A on the plus strand (G>T on the coding strand, the complement: BRIP1 is on the minus strand). VCF-style: chr17-61799245-C-A. GRCh37 (hg19) VCF-style: chr17-59876606-C-A.
Other names: short protein forms E399*.
Identifiers: ClinVar variation 3754316 (VCV003754316.3).

ClinVar aggregate classification (germline): Pathogenic. Review status: criteria provided, multiple submitters, no conflicts (2 of 4 stars). 2 submissions from 2 submitters: Pathogenic (2). Last evaluated 2024-02-01.

Conditions:
Fanconi anemia complementation group J. Also called: BRIP1-Related Fanconi Anemia. Identifiers: Orphanet 84, MedGen C1836860, MONDO:0012187, OMIM 609054.
Familial cancer of breast. Also called: BREAST CANCER, FAMILIAL; Hereditary breast cancer; hereditary breast carcinoma. Identifiers: Orphanet 227535, MedGen C0346153, MONDO:0016419, OMIM 114480. Disease mechanism: loss of function.
Familial ovarian cancer. Identifiers: MedGen C5679802, MONDO:0016248.

Submissions (2):

Labcorp Genetics (formerly Invitae), Labcorp
Classification: Pathogenic for Familial cancer of breast; Fanconi anemia complementation group J. Last evaluated: 2024-02-01. Review status: criteria provided, single submitter. Criteria: Invitae Variant Classification Sherloc (09022015). Collection method: clinical testing. Allele origin: germline.
Comment: This sequence change creates a premature translational stop signal (p.Glu399*) in the BRIP1 gene. It is expected to result in an absent or disrupted protein product. Loss-of-function variants in BRIP1 are known to be pathogenic (PMID: 16116423, 17033622, 21964575). This variant is not present in population databases (gnomAD no frequency). This variant has not been reported in the literature in individuals affected with BRIP1-related conditions. For these reasons, this variant has been classified as Pathogenic.

Department of Pathology and Laboratory Medicine, Sinai Health System
Classification: Pathogenic for familial ovarian cancer. Last evaluated: 2019-09-27. Review status: criteria provided, single submitter. Criteria: ACMG Guidelines, 2015. Collection method: clinical testing. Allele origin: germline. Affected: no.

Literature cited by the submitters: PubMed 16116423 (cited by Labcorp Genetics (formerly Invitae), Labcorp); PubMed 17033622 (cited by Labcorp Genetics (formerly Invitae), Labcorp); PubMed 21964575 (cited by Labcorp Genetics (formerly Invitae), Labcorp).